The following is an entry in ClinVar:

ClinVar aggregate classification (germline): Likely benign (1 of 4 stars; one submission).

Submission:

Women's Health and Genetics/Laboratory Corporation of America, LabCorp
Classification: Likely benign. Last evaluated: 2025-08-12. Review status: criteria provided, single submitter. Criteria: LabCorp Variant Classification Summary - May 2015. Collection method: clinical testing. Allele origin: germline.
Comment: Variant summary: SGCE c.1253+821G>A is located at a position not widely known to affect splicing. Consensus agreement among computation tools predict no significant impact on normal splicing. However, these predictions have yet to be confirmed by functional studies. The frequency data for this variant in gnomAD is considered unreliable, as metrics indicate poor data quality at this position. To our knowledge, no occurrence of c.1253+821G>A in individuals affected with Myoclonic Dystonia 11 and no experimental evidence demonstrating its impact on protein function have been reported. ClinVar contains an entry for this variant (Variation ID: 3339221). Based on the evidence outlined above, the variant was classified as likely benign.

NM_003919.3(SGCE):c.1253+821G>A

Genes: CASD1 (CAS1 domain sialic acid O acetyltransferase 1; plus strand), SGCE (sarcoglycan epsilon; minus strand). Cytogenetic location: 7q21.3.
Variant type: single nucleotide variant.
Coding change: c.1253+821G>A on transcript NM_003919.3 (MANE Select); 821 bases into the intron after coding-DNA position 1253, G replaced by A.
Molecular consequence: intron variant. On other transcripts: missense variant (1).
Genome position (GRCh38, 1-based): chr7:94,597,954, C>T on the plus strand (G>A on the coding strand, the complement: SGCE is on the minus strand). VCF-style: chr7-94597954-C-T. GRCh37 (hg19) VCF-style: chr7-94227266-C-T.
Other names: c.1304G>A, p.Gly435Asp (NM_001099401.2); c.1103+821G>A (NM_001362809.2); c.1130+821G>A (NM_001301139.2); c.1226+821G>A (NM_001346717.2, NM_001099400.2); c.1334+821G>A (NM_001346715.2); c.1361+821G>A (NM_001346713.2); c.1139+821G>A (NM_001362807.2); c.953+821G>A (NM_001362808.2); and 2 more; short protein forms G435D.
Identifiers: ClinVar variation 3339221 (VCV003339221.2).